The following is an entry in ClinVar:

ClinVar aggregate classification (germline): Uncertain significance. Review status: criteria provided, multiple submitters, no conflicts (2 of 4 stars). 2 submissions from 2 submitters: Uncertain significance (2). Last evaluated 2024-10-28.

Conditions:
Inborn genetic diseases. Identifiers: MedGen C0950123, MeSH D030342.

Allele frequency attached by ClinVar (database versions not stated): gnomAD exomes below 0.00001; ExAC 0.00001.

Submissions (2):

Labcorp Genetics (formerly Invitae), Labcorp
Classification: Uncertain significance. Last evaluated: 2024-10-28. Review status: criteria provided, single submitter. Criteria: Invitae Variant Classification Sherloc (09022015). Collection method: clinical testing. Allele origin: germline.
Comment: This sequence change replaces valine, which is neutral and non-polar, with isoleucine, which is neutral and non-polar, at codon 255 of the SLC20A2 protein (p.Val255Ile). This variant is present in population databases (rs750208051, gnomAD 0.0009%). This variant has not been reported in the literature in individuals affected with SLC20A2-related conditions. ClinVar contains an entry for this variant (Variation ID: 1488728). Invitae Evidence Modeling of protein sequence and biophysical properties (such as structural, functional, and spatial information, amino acid conservation, physicochemical variation, residue mobility, and thermodynamic stability) indicates that this missense variant is not expected to disrupt SLC20A2 protein function with a negative predictive value of 95%. In summary, the available evidence is currently insufficient to determine the role of this variant in disease. Therefore, it has been classified as a Variant of Uncertain Significance.

Ambry Genetics
Classification: Uncertain significance for Inborn genetic diseases. Last evaluated: 2023-03-06. Review status: criteria provided, single submitter. Criteria: Ambry Variant Classification Scheme 2023. Collection method: clinical testing. Allele origin: germline.

NM_001257180.2(SLC20A2):c.763G>A (p.Val255Ile)

Gene: SLC20A2 (solute carrier family 20 member 2; minus strand). Cytogenetic location: 8p11.21.
Variant type: single nucleotide variant.
Coding change: c.763G>A on transcript NM_001257180.2 (MANE Select); coding-DNA position 763, G replaced by A.
Protein change: p.Val255Ile; replaces valine 255 with isoleucine.
Molecular consequence: missense variant.
Genome position (GRCh38, 1-based): chr8:42,439,621, C>T on the plus strand (G>A on the coding strand, the complement: SLC20A2 is on the minus strand). VCF-style: chr8-42439621-C-T. GRCh37 (hg19) VCF-style: chr8-42297139-C-T.
Other names: c.763G>A (NM_006749.3); c.763G>A, p.Val255Ile (NM_001257181.2, NM_006749.5); short protein forms V255I.
Identifiers: ClinVar variation 1488728 (VCV001488728.7), dbSNP rs750208051, ClinGen allele CA4733462.